The following is an entry in ClinVar:

NM_017612.5(ZCCHC8):c.251T>G (p.Leu84Trp)

Gene: ZCCHC8 (zinc finger CCHC-type containing 8; minus strand). Cytogenetic location: 12q24.31.
Variant type: single nucleotide variant.
Coding change: c.251T>G on transcript NM_017612.5 (MANE Select); coding-DNA position 251, T replaced by G.
Protein change: p.Leu84Trp; replaces leucine 84 with tryptophan.
Molecular consequence: missense variant. On other transcripts: 5 prime UTR variant (3).
Genome position (GRCh38, 1-based): chr12:122,492,781, A>C on the plus strand (T>G on the coding strand, the complement: ZCCHC8 is on the minus strand). VCF-style: chr12-122492781-A-C. GRCh37 (hg19) VCF-style: chr12-122977328-A-C.
Other names: c.251T>G, p.Leu84Trp (NM_001350935.2); c.-47T>G (NM_001350936.2); c.-294T>G (NM_001350937.2); c.-188T>G (NM_001350938.2); c.251T>G (NM_017612.3); short protein forms L84W.
Identifiers: ClinVar variation 1445326 (VCV001445326.8), dbSNP rs200095489, ClinGen allele CA6846487.

ClinVar aggregate classification (germline): Uncertain significance. Review status: criteria provided, multiple submitters, no conflicts (2 of 4 stars). 3 submissions from 3 submitters: Uncertain significance (3). Last evaluated 2026-02-05.

Allele frequency attached by ClinVar (database versions not stated): TOPMed 0.00009; gnomAD 0.00011 and 0.00012; gnomAD exomes 0.00011 and 0.00008; ExAC 0.00021; ESP Exome Variant Server 0.00026.

Submissions (3):

GeneDx
Classification: Uncertain significance. Last evaluated: 2026-02-05. Review status: criteria provided, single submitter. Criteria: GeneDx Variant Classification Process June 2021. Collection method: clinical testing. Allele origin: germline.
Comment: Identified in an individual with common variable immunodeficiency (PMID: 37944684); In silico analysis does not support a benign or deleterious effect of this variant on protein structure/function; This variant is associated with the following publications: (PMID: 37944684)

Labcorp Genetics (formerly Invitae), Labcorp
Classification: Uncertain significance. Last evaluated: 2025-11-17. Review status: criteria provided, single submitter. Criteria: Invitae Variant Classification Sherloc (09022015). Collection method: clinical testing. Allele origin: germline.
Comment: This sequence change replaces leucine, which is neutral and non-polar, with tryptophan, which is neutral and slightly polar, at codon 84 of the ZCCHC8 protein (p.Leu84Trp). This variant is present in population databases (rs200095489, gnomAD 0.02%). This variant has not been reported in the literature in individuals affected with ZCCHC8-related conditions. ClinVar contains an entry for this variant (Variation ID: 1445326). Invitae Evidence Modeling of protein sequence and biophysical properties (such as structural, functional, and spatial information, amino acid conservation, physicochemical variation, residue mobility, and thermodynamic stability) indicates that this missense variant is not expected to disrupt ZCCHC8 protein function with a negative predictive value of 80%. In summary, the available evidence is currently insufficient to determine the role of this variant in disease. Therefore, it has been classified as a Variant of Uncertain Significance.

Ambry Genetics
Classification: Uncertain significance. Last evaluated: 2022-07-08. Review status: criteria provided, single submitter. Criteria: Ambry Variant Classification Scheme 2023. Collection method: clinical testing. Allele origin: germline.